The following is an entry in ClinVar:

NM_002887.4(RARS1):c.1239T>G (p.Ser413=)

Gene: RARS1 (arginyl-tRNA synthetase 1; plus strand). Cytogenetic location: 5q34.
Variant type: single nucleotide variant.
Coding change: c.1239T>G on transcript NM_002887.4 (MANE Select); coding-DNA position 1239, T replaced by G.
Protein change: p.Ser413=; no amino-acid change (serine 413 retained).
Molecular consequence: synonymous variant.
Genome position (GRCh38, 1-based): chr5:168,506,724, T>G. VCF-style: chr5-168506724-T-G. GRCh37 (hg19) VCF-style: chr5-167933729-T-G.
Other names: p.Ser413=.
Identifiers: ClinVar variation 387977 (VCV000387977.14), dbSNP rs141294475, ClinGen allele CA3549875.

ClinVar aggregate classification (germline): Likely benign. Review status: criteria provided, multiple submitters, no conflicts (2 of 4 stars). 5 submissions from 5 submitters: Likely benign (4). 1 of the submissions does not count toward it. Last evaluated 2025-11-04.

Conditions:
RARS1-related disorder. Also called: RARS1-related condition.

Allele frequency attached by ClinVar (database versions not stated): gnomAD exomes 0.00001 and 0.00004; ExAC 0.00007; ESP Exome Variant Server 0.00023; gnomAD 0.00023 and 0.00026; TOPMed 0.00029.
gnomAD v4.1: 52 of 1,609,582 alleles (0.0032%); highest among the groups gnomAD compares: African/African-American, 0.063%; no homozygotes.

Submissions (5):

Labcorp Genetics (formerly Invitae), Labcorp
Classification: Likely benign. Last evaluated: 2025-11-04. Review status: criteria provided, single submitter. Criteria: Invitae Variant Classification Sherloc (09022015). Collection method: clinical testing. Allele origin: germline.

CeGaT Center for Human Genetics Tuebingen
Classification: Likely benign. Last evaluated: 2025-11-01. Review status: criteria provided, single submitter. Criteria: CeGaT Center For Human Genetics Tuebingen Variant Classification Criteria Version 2. Collection method: clinical testing. Allele origin: germline. Affected: yes. Observed: 1 variant allele.
Comment: RARS1: BP4, BP7

Mayo Clinic Laboratories, Mayo Clinic
Classification: Likely benign. Last evaluated: 2025-08-15. Review status: criteria provided, single submitter. Criteria: ACMG Guidelines, 2015. Collection method: clinical testing. Allele origin: germline. Observed: 1 variant allele.
Comment: BP4, BP7

GeneDx
Classification: Likely benign. Last evaluated: 2016-08-08. Review status: criteria provided, single submitter. Criteria: GeneDx Variant Classification (06012015). Collection method: clinical testing. Allele origin: germline. Affected: yes.
Comment: This variant is considered likely benign or benign based on one or more of the following criteria: it is a conservative change, it occurs at a poorly conserved position in the protein, it is predicted to be benign by multiple in silico algorithms, and/or has population frequency not consistent with disease.

PreventionGenetics, part of Exact Sciences
Classification: Likely benign for RARS1-related condition. Last evaluated: 2019-04-17. Review status: no assertion criteria provided. Collection method: clinical testing. Allele origin: germline. Not counted in ClinVar's aggregate classification.
Comment: This variant is classified as likely benign based on ACMG/AMP sequence variant interpretation guidelines (Richards et al. 2015 PMID: 25741868, with internal and published modifications).